The following is an entry in ClinVar:

ClinVar aggregate classification (germline): Likely pathogenic (1 of 4 stars; one submission).

Conditions:
Fabry disease. Also called: ALPHA-GALACTOSIDASE A DEFICIENCY; ANDERSON-FABRY DISEASE; CERAMIDE TRIHEXOSIDASE DEFICIENCY; GLA DEFICIENCY; HEREDITARY DYSTOPIC LIPIDOSIS; Angiokeratoma corporis diffusum. Identifiers: Orphanet 324, MedGen C0002986, MONDO:0010526, OMIM 301500, HP:0001071. Disease mechanism: Fabry disease is due to inactivating mutations in the X-linked GLA gene resulting in deficiency of the enzyme Alpha Galactosidase-A., loss of function.

Submission:

Genomenon, Inc
Classification: Likely pathogenic for Fabry disease. Last evaluated: 2026-09-08. Review status: criteria provided, single submitter. Criteria: Genomenon Sequence Variant Interpretation Standards - Updated. Collection method: curation. Allele origin: germline. Affected: no.
Comment: GLA p.Thr141Asn (c.422C>A) is a missense variant that changes the amino acid at codon 141 from Threonine to Asparagine. To our knowledge, this variant has not been reported in patients affected with Fabry disease in the published literature. At least one functional study has demonstrated a substantial alteration in protein function relative to the wild-type (PMID:27657681). This variant is located in a mutational hotspot and/or important functional domain. It is absent or not present at a significant frequency in gnomAD. In silico models predict that this variant is possibly or probably damaging. In conclusion, we classify GLA p.Thr141Asn (c.422C>A) as a likely pathogenic variant.

Literature cited by the submitters: PubMed 27657681.

NM_000169.3(GLA):c.422C>A (p.Thr141Asn)

Genes: GLA (galactosidase alpha; minus strand), RPL36A-HNRNPH2 (RPL36A-HNRNPH2 readthrough; plus strand). Cytogenetic location: Xq22.1.
Variant type: single nucleotide variant.
Coding change: c.422C>A on transcript NM_000169.3 (MANE Select); coding-DNA position 422, C replaced by A.
Protein change: p.Thr141Asn; replaces threonine 141 with asparagine.
Molecular consequence: missense variant. On other transcripts: non-coding transcript variant (3), intron variant (2).
Genome position (GRCh38, 1-based): chrX:101,401,757, G>T on the plus strand (C>A on the coding strand, the complement: GLA is on the minus strand). VCF-style: chrX-101401757-G-T. GRCh37 (hg19) VCF-style: chrX-100656745-G-T.
Other names: c.545C>A, p.Thr182Asn (NM_001406747.1, NM_001406749.1); c.422C>A, p.Thr141Asn (NM_001406748.1); c.300+6300G>T (NM_001199973.2); c.177+9935G>T (NM_001199974.2); short protein forms T141N, T182N.
Identifiers: ClinVar variation 4087366 (VCV004087366.2).